The following is an entry in ClinVar:

ClinVar aggregate classification (germline): Uncertain significance. Review status: criteria provided, multiple submitters, no conflicts (2 of 4 stars). 2 submissions from 2 submitters: Uncertain significance (2). Last evaluated 2022-06-21.

Conditions:
Luscan-Lumish syndrome. Identifiers: Orphanet 597738, MedGen C4085873, MONDO:0014791, OMIM 616831.

Allele frequency attached by ClinVar (database versions not stated): gnomAD exomes 0.00002 and 0.00001; ExAC 0.00003.
gnomAD v4.1: 17 of 1,612,000 alleles (0.0011%); highest among the groups gnomAD compares: South Asian, 0.017%; no homozygotes.

Submissions (2):

Revvity Omics, Revvity
Classification: Uncertain significance. Last evaluated: 2022-06-21. Review status: criteria provided, single submitter. Criteria: ACMG Guidelines, 2015. Collection method: clinical testing. Allele origin: germline.

Labcorp Genetics (formerly Invitae), Labcorp
Classification: Uncertain significance for Luscan-Lumish syndrome. Last evaluated: 2019-09-15. Review status: criteria provided, single submitter. Criteria: Invitae Variant Classification Sherloc (09022015). Collection method: clinical testing. Allele origin: germline.
Comment: In summary, this variant is a rare missense change that is not predicted to affect protein function. There is no indication that it causes disease, but the available evidence is currently insufficient to prove that conclusively. Therefore, it has been classified as a Variant of Uncertain Significance. Algorithms developed to predict the effect of missense changes on protein structure and function output the following: SIFT: "Tolerated"; PolyPhen-2: "Benign"; Align-GVGD: "Class C0". The arginine amino acid residue is found in multiple mammalian species, suggesting that this missense change does not adversely affect protein function. These predictions have not been confirmed by published functional studies. This variant is present in population databases (rs776293901, ExAC 0.02%) but has not been reported in the literature in individuals with a SETD2-related disease. This sequence change replaces histidine with arginine at codon 643 of the SETD2 protein (p.His643Arg). The histidine residue is moderately conserved and there is a small physicochemical difference between histidine and arginine.

NM_014159.7(SETD2):c.1928A>G (p.His643Arg)

Gene: SETD2 (SET domain containing 2, histone lysine methyltransferase; minus strand). Cytogenetic location: 3p21.31.
Variant type: single nucleotide variant.
Coding change: c.1928A>G on transcript NM_014159.7 (MANE Select); coding-DNA position 1928, A replaced by G.
Protein change: p.His643Arg; replaces histidine 643 with arginine.
Molecular consequence: missense variant. On other transcripts: non-coding transcript variant (1).
Genome position (GRCh38, 1-based): chr3:47,122,708, T>C on the plus strand (A>G on the coding strand, the complement: SETD2 is on the minus strand). VCF-style: chr3-47122708-T-C. GRCh37 (hg19) VCF-style: chr3-47164198-T-C.
Other names: c.1796A>G, p.His599Arg (NM_001349370.3); short protein forms H643R, H599R.
Identifiers: ClinVar variation 475497 (VCV000475497.10), dbSNP rs776293901, ClinGen allele CA2363608.